The following is an entry in ClinVar:

ClinVar aggregate classification (germline): Likely benign. Review status: criteria provided, multiple submitters, no conflicts (2 of 4 stars). 3 submissions from 3 submitters: Likely benign (3). Last evaluated 2023-02-01.

Allele frequency attached by ClinVar (database versions not stated): gnomAD 0.00026; ESP Exome Variant Server 0.00038; TOPMed 0.00040; gnomAD exomes 0.00047; 1000 Genomes Project 0.00053; 1000 Genomes Project 30x 0.00062; ExAC 0.00064.

Submissions (3):

CeGaT Center for Human Genetics Tuebingen
Classification: Likely benign. Last evaluated: 2023-02-01. Review status: criteria provided, single submitter. Criteria: CeGaT Center For Human Genetics Tuebingen Variant Classification Criteria Version 2. Collection method: clinical testing. Allele origin: germline. Affected: yes. Observed: 1 variant allele.
Comment: WWC3: BP4, BS2

Labcorp Genetics (formerly Invitae), Labcorp
Classification: Likely benign. Last evaluated: 2018-02-13. Review status: criteria provided, single submitter. Criteria: Invitae Variant Classification Sherloc (09022015). Collection method: clinical testing. Allele origin: germline.

Breakthrough Genomics
Classification: Likely benign. Review status: criteria provided, single submitter. Criteria: ACMG Guidelines, 2015. Collection method: not provided. Allele origin: germline. Inheritance: Unknown mechanism. Affected: yes.

NM_015691.5(WWC3):c.2057G>A (p.Arg686His)

Gene: WWC3 (WWC family member 3; plus strand). Cytogenetic location: Xp22.2.
Variant type: single nucleotide variant.
Coding change: c.2057G>A on transcript NM_015691.5; coding-DNA position 2057, G replaced by A.
Protein change: p.Arg686His; replaces arginine 686 with histidine.
Molecular consequence: missense variant.
Genome position (GRCh38, 1-based): chrX:10,122,670, G>A. VCF-style: chrX-10122670-G-A. GRCh37 (hg19) VCF-style: chrX-10090710-G-A.
Other names: short protein forms R686H.
Identifiers: ClinVar variation 723744 (VCV000723744.29), dbSNP rs139403054, ClinGen allele CA10346497.